The following is an entry in ClinVar:

ClinVar aggregate classification (germline): Uncertain significance (1 of 4 stars; one submission).

gnomAD v4.1: 3 of 1,613,634 alleles (0.00019%); highest among the groups gnomAD compares: East Asian, 0.0045%; no homozygotes.

Submission:

Dasa
Classification: Uncertain significance. Last evaluated: 2026-04-02. Review status: criteria provided, single submitter. Criteria: DASA Assertion Criteria. Collection method: clinical testing. Allele origin: germline.
Comment: NM_015021.3(ZNF292):c.4811C>T (p.Ser1604Phe) is a missense variant that results in the substitution of serine with phenylalanine. This variant is rare in population databases. The currently available literature and clinical evidence are not sufficient to establish a definitive association between this variant and the reported condition. Therefore, this variant is classified as a variant of uncertain significance.

NM_015021.3(ZNF292):c.4811C>T (p.Ser1604Phe)

Gene: ZNF292 (zinc finger protein 292; plus strand). Cytogenetic location: 6q14.3.
Variant type: single nucleotide variant.
Coding change: c.4811C>T on transcript NM_015021.3 (MANE Select); coding-DNA position 4811, C replaced by T.
Protein change: p.Ser1604Phe; replaces serine 1604 with phenylalanine.
Molecular consequence: missense variant.
Genome position (GRCh38, 1-based): chr6:87,258,440, C>T. VCF-style: chr6-87258440-C-T. GRCh37 (hg19) VCF-style: chr6-87968158-C-T.
Other names: c.4391C>T, p.Ser1464Phe (NM_001351444.2); short protein forms S1464F, S1604F.
Identifiers: ClinVar variation 5020680 (VCV005020680.1).
Genomic context (GRCh38, chr6:87,258,440, plus strand): 5'-TGTGCTCTAGTTCATTTCCTAATTCTGGTGGGCCATCACAAAATTTTACCAGTAACAGTT[C>T]TCGTGTTTCTGTTATAAGTGGTCCTCAGAACACAAGATCCAGTCATTTAAATAAAAAGGG-3'
Protein context (NP_055836.1, residues 1594-1614): GPSQNFTSNS[Ser1604Phe]RVSVISGPQN